The following is an entry in ClinVar:

ClinVar aggregate classification (germline): Uncertain significance. Review status: criteria provided, multiple submitters, no conflicts (2 of 4 stars). 2 submissions from 2 submitters: Uncertain significance (2). Last evaluated 2025-08-04.

Conditions:
Cardiovascular phenotype. Identifiers: MedGen CN230736.
RASopathy. Also called: Noonan spectrum disorder; rasopathies. Identifiers: Orphanet 536391, MedGen C5555857, MONDO:0021060.

gnomAD v4.1: 2 of 1,613,528 alleles (0.00012%); highest among the groups gnomAD compares: African/African-American, 0.0027%; no homozygotes.

Submissions (2):

Labcorp Genetics (formerly Invitae), Labcorp
Classification: Uncertain significance for RASopathy. Last evaluated: 2025-08-04. Review status: criteria provided, single submitter. Criteria: Invitae Variant Classification Sherloc (09022015). Collection method: clinical testing. Allele origin: germline.
Comment: This sequence change replaces threonine, which is neutral and polar, with proline, which is neutral and non-polar, at codon 206 of the SHOC2 protein (p.Thr206Pro). This variant is present in population databases (no rsID available, gnomAD 0.01%). This variant has not been reported in the literature in individuals affected with SHOC2-related conditions. ClinVar contains an entry for this variant (Variation ID: 3954162). Invitae Evidence Modeling of protein sequence and biophysical properties (such as structural, functional, and spatial information, amino acid conservation, physicochemical variation, residue mobility, and thermodynamic stability) indicates that this missense variant is not expected to disrupt SHOC2 protein function with a negative predictive value of 80%. In summary, the available evidence is currently insufficient to determine the role of this variant in disease. Therefore, it has been classified as a Variant of Uncertain Significance.

Ambry Genetics
Classification: Uncertain significance for Cardiovascular phenotype. Last evaluated: 2025-05-02. Review status: criteria provided, single submitter. Criteria: Ambry Variant Classification Scheme 2023. Collection method: clinical testing. Allele origin: germline.
Comment: The p.T206P variant (also known as c.616A>C), located in coding exon 1 of the SHOC2 gene, results from an A to C substitution at nucleotide position 616. The threonine at codon 206 is replaced by proline, an amino acid with highly similar properties. This amino acid position is conserved. In addition, the in silico prediction for this alteration is inconclusive. Based on the available evidence, the clinical significance of this variant remains unclear.

NM_007373.4(SHOC2):c.616A>C (p.Thr206Pro)

Gene: SHOC2 (SHOC2 leucine rich repeat scaffold protein; plus strand). Cytogenetic location: 10q25.2.
Variant type: single nucleotide variant.
Coding change: c.616A>C on transcript NM_007373.4 (MANE Select); coding-DNA position 616, A replaced by C.
Protein change: p.Thr206Pro; replaces threonine 206 with proline.
Molecular consequence: missense variant.
Genome position (GRCh38, 1-based): chr10:110,964,974, A>C. VCF-style: chr10-110964974-A-C. GRCh37 (hg19) VCF-style: chr10-112724732-A-C.
Other names: c.616A>C, p.Thr206Pro (NM_001269039.3, NM_001324336.2, NM_001324337.2); short protein forms T206P.
Identifiers: ClinVar variation 3954162 (VCV003954162.2).